The following is an entry in ClinVar:

ClinVar aggregate classification (germline): Uncertain significance (1 of 4 stars; one submission).

Conditions:
Hereditary cancer-predisposing syndrome. Also called: Neoplastic Syndromes, Hereditary; Tumor predisposition; Hereditary Cancer Syndrome; Hereditary neoplastic syndrome. Identifiers: Orphanet 140162, MedGen C0027672, MeSH D009386, MONDO:0015356.

Submission:

Ambry Genetics
Classification: Uncertain significance for Hereditary cancer-predisposing syndrome. Last evaluated: 2026-02-06. Review status: criteria provided, single submitter. Criteria: Ambry Variant Classification Scheme 2023. Collection method: clinical testing. Allele origin: germline.
Comment: The c.1927-16_1927-4del13 intronic variant begins 4 nucleotides before coding exon 17 in the MRE11A gene. This variant results from a deletion of 13 nucleotides at positions c.1927-16 to 1927-4. This nucleotide region is not well conserved in available vertebrate species. In silico splice site analysis predicts that this alteration may result in the creation or strengthening of a novel splice acceptor site. Based on the available evidence, the clinical significance of this variant remains unclear.

NM_005591.4(MRE11):c.1927-16_1927-4del

Gene: MRE11 (MRE11 double strand break repair nuclease; minus strand). Cytogenetic location: 11q21.
Variant type: Deletion.
Coding change: c.1927-16_1927-4del on transcript NM_005591.4 (MANE Select); 16 bases into the intron before coding-DNA position 1927 through 4 bases into the intron before coding-DNA position 1927, 13 bases deleted (TTTGTTTCCTTGC).
Molecular consequence: intron variant.
Genome position (GRCh38, 1-based): chr11:94,435,903-94,435,915, GCAAGGAAACAAA deleted on the plus strand (TTTGTTTCCTTGC on the coding strand, the reverse complement: MRE11 is on the minus strand); deleting any 13 consecutive bases within chr11:94,435,903-94,435,919 gives the same sequence; the c. name uses the placement nearest the transcript's 3' end. VCF-style (leftmost placement, unchanged base first): chr11-94435902-GGCAAGGAAACAAA-G. GRCh37 (hg19) VCF-style: chr11-94169068-GGCAAGGAAACAAA-G.
Other names: c.1582-16_1582-4del (NM_001440482.1, NM_001440483.1); c.1843-16_1843-4del (NM_001440477.1, NM_005590.4, NM_001440466.1 and 4 more transcripts); c.1780-16_1780-4del (NM_001440481.1); c.1861-16_1861-4del (NM_001440470.1); c.1864-16_1864-4del (NM_001440468.1, NM_001440469.1, NM_001440467.1); c.1924-16_1924-4del (NM_001440464.1, NM_001440465.1, NM_001330347.2); c.1927-16_1927-4del (NM_001440462.1, NM_001440461.1, NM_001440460.1 and 1 more transcripts); c.1789-16_1789-4del (NM_001440479.1); and 6 more.
Identifiers: ClinVar variation 4829881 (VCV004829881.1).